The following is an entry in ClinVar:

NM_006005.3(WFS1):c.1597C>T (p.Pro533Ser)

Gene: WFS1 (wolframin ER transmembrane glycoprotein; plus strand). Cytogenetic location: 4p16.1.
Variant type: single nucleotide variant.
Coding change: c.1597C>T on transcript NM_006005.3 (MANE Select); coding-DNA position 1597, C replaced by T.
Protein change: p.Pro533Ser; replaces proline 533 with serine.
Molecular consequence: missense variant.
Genome position (GRCh38, 1-based): chr4:6,301,392, C>T. VCF-style: chr4-6301392-C-T. GRCh37 (hg19) VCF-style: chr4-6303119-C-T.
Other names: p.P533S:CCC>TCC; c.1597C>T, p.Pro533Ser (NM_001145853.1); short protein forms P533S.
Identifiers: ClinVar variation 137914 (VCV000137914.87), dbSNP rs146132083, ClinGen allele CA232537.

ClinVar aggregate classification (germline): Conflicting classifications of pathogenicity. Review status: criteria provided, conflicting classifications (1 of 4 stars). 19 submissions from 17 submitters: Pathogenic (1); Likely pathogenic (4); Uncertain significance (12); Benign (1). 1 of the submissions does not count toward it. Last evaluated 2026-10-02.

Conditions:
WFS1-Related Spectrum Disorders.
Inborn genetic diseases. Identifiers: MedGen C0950123, MeSH D030342.
Monogenic diabetes. Identifiers: Orphanet 183625, MedGen C3888631, MONDO:0015967.
WFS1-related disorder. Identifiers: MedGen CN379391, MONDO:0700293.
Optic atrophy. Identifiers: MedGen C0029124, MONDO:0003608, HP:0000648.
Autosomal dominant nonsyndromic hearing loss 6 (LFSNHL). Also called: Autosomal dominant nonsyndromic deafness 6; DEAFNESS, AUTOSOMAL DOMINANT 6; DEAFNESS, AUTOSOMAL DOMINANT 14; DEAFNESS, AUTOSOMAL DOMINANT 38. Identifiers: Orphanet 90635, MedGen C1833021, MONDO:0010963, OMIM 600965.
Type 2 diabetes mellitus. Also called: Type II diabetes mellitus. Identifiers: MedGen C0011860, MeSH D003924, MONDO:0005148, OMIM 125853, HP:0005978.
Wolfram-like syndrome. Also called: HEARING LOSS, PROGRESSIVE, WITH OPTIC ATROPHY AND/OR IMPAIRED GLUCOSE REGULATION. Identifiers: Orphanet 411590, MedGen C3280358, MONDO:0013673, OMIM 614296.
Cataract 41 (CTRCT41). Also called: CATARACT 41, CONGENITAL NUCLEAR TYPE. Identifiers: Orphanet 91492, Orphanet 98991, Orphanet 98992, Orphanet 98995, MedGen C3805412, MONDO:0007287, OMIM 116400.
Wolfram syndrome 1 (WFS1). Identifiers: Orphanet 3463, MedGen C4551693, MONDO:0009101, OMIM 222300.
Retinal dystrophy. Also called: Inherited retinal dystrophy. Identifiers: Orphanet 71862, MedGen C0854723, MeSH D058499, MONDO:0019118, HP:0000556.

Allele frequency attached by ClinVar (database versions not stated): 1000 Genomes Project 30x 0.00016; 1000 Genomes Project 0.00020; ExAC 0.00073; gnomAD exomes 0.00075; ESP Exome Variant Server 0.00100; gnomAD 0.00076; TOPMed 0.00155.
gnomAD v4.1: 1,794 of 1,612,448 alleles (0.11%); highest among the groups gnomAD compares: Non-Finnish European, 0.14%; 2 homozygotes.

Submissions 1 to 14 of 19:

GeneDx
Classification: Likely pathogenic. Last evaluated: 2026-10-02. Review status: criteria provided, single submitter. Criteria: GeneDx Variant Classification Process June 2021. Collection method: clinical testing. Allele origin: germline.
Comment: In silico analysis supports that this missense variant has a deleterious effect on protein structure/function; This variant is associated with the following publications: (PMID: 12955714, 11920861, 20738327, 26435059, 31264968, 24875298, 33841295, 34746052, 30180840, 31765440, 26875006, 35472603, 28432734, 35469785, OrssaudC2024[preprint], 32461654, 28518168, 39462066, 40527387, 42363686)

PreventionGenetics, part of Exact Sciences
Classification: Likely pathogenic for WFS1-related condition. Last evaluated: 2026-08-31. Review status: criteria provided, single submitter. Criteria: ACMG Guidelines, 2015. Collection method: clinical testing. Allele origin: germline.
Comment: The WFS1 c.1597C>T variant is predicted to result in the amino acid substitution p.Pro533Ser. This variant has been reported along with a second pathogenic or likely pathogenic WFS1 variant in at least five individuals with Wolfram syndrome and/or optic atrophy in the literature and at PreventionGenetics in four unrelated individuals undergoing testing for optic atrophy; in at least two of these individuals the variants were determined to be in trans (Table S1, Majander et al. 2016. PubMed ID: 26875006; Table S2, Charif et al. 2021. PubMed ID: 33841295; Chen et al. 2019. PubMed ID: 31765440; Kabanovski et al. 2022. PubMed ID: 35472603; Internal Data). This variant is present in 0.15% of alleles in individuals of European (Non-Finnish) descent in gnomAD, including two homozygotes in the larger gnomAD v4.1.0 database. These data suggest this variant may be pathogenic only in the presence of a truncating variant on the opposite allele, although this has not been established in the literature. This variant is interpreted as likely pathogenic.

Ambry Genetics
Classification: Uncertain significance for Inborn genetic diseases. Last evaluated: 2026-06-12. Review status: criteria provided, single submitter. Criteria: Ambry Variant Classification Scheme 2023. Collection method: clinical testing. Allele origin: germline.
Comment: The c.1597C>T (p.P533S) alteration is located in exon 8 (coding exon 7) of the WFS1 gene. This alteration results from a C to T substitution at nucleotide position 1597, causing the proline (P) at amino acid position 533 to be replaced by a serine (S). Based on data from gnomAD, the T allele has an overall frequency of 0.075% (211/281828) total alleles studied. The highest observed frequency was 0.146% (189/129110) of European (non-Finnish) alleles. Based on data from gnomAD, the frequency for this variant is above the maximum credible frequency for a disease-causing variant in this gene based on internally established thresholds (Karczewski, 2020; Whiffin, 2017). This variant has been identified in conjunction with other WFS1 variant(s) in individual(s) with features consistent with WFS1-related Wolfram syndrome (Chen, 2019; Majander, 2022; Kabanovski, 2022). This variant was also reported heterozygous in individual(s) with hearing loss (Vona, 2014; Lewis, 2018). This amino acid position is well conserved in available vertebrate species. This alteration is predicted to be deleterious by in silico analysis. Based on insufficient or conflicting evidence, the clinical significance of this alteration remains unclear.

Wales Gene Park, Division Of Cancer and Genetics, Cardiff University
Classification: Uncertain significance for Wolfram syndrome 1. Last evaluated: 2026-04-28. Review status: criteria provided, single submitter. Criteria: ACGS Best Practice Guidelines for Variant Classification in Rare Disease 2024. Collection method: research. Allele origin: inherited. Inheritance: Autosomal recessive inheritance. Study: 100,000 Genomes Project (Wales).
Comment: Inherited WFS1 missense variant detected by trio genome sequencing. Allele frequency in gnomAD (v4.1.1) is high ~0.001 including two homozygotes. REVEL score 0.848. Reported in 3 patients with Wolfram-like syndrome (PMID 35469785). Conflicting classifications of pathogenicity on ClinVar. Evidence codes: ?BS1, PP3, PM3_strong.

CeGaT Center for Human Genetics Tuebingen
Classification: Pathogenic. Last evaluated: 2026-03-01. Review status: criteria provided, single submitter. Criteria: CeGaT Center For Human Genetics Tuebingen Variant Classification Criteria Version 2. Collection method: clinical testing. Allele origin: germline. Affected: yes. Observed: 6 variant alleles.
Comment: WFS1: PM3:Very Strong, PM2:Supporting, PP3

Labcorp Genetics (formerly Invitae), Labcorp
Classification: Benign. Last evaluated: 2026-01-15. Review status: criteria provided, single submitter. Criteria: Invitae Variant Classification Sherloc (09022015). Collection method: clinical testing. Allele origin: germline.

Women's Health and Genetics/Laboratory Corporation of America, LabCorp
Classification: Uncertain significance. Last evaluated: 2025-10-15. Review status: criteria provided, single submitter. Criteria: LabCorp Variant Classification Summary - May 2015. Collection method: clinical testing. Allele origin: germline.
Comment: Variant summary: WFS1 c.1597C>T (p.Pro533Ser) results in a non-conservative amino acid change in the encoded protein sequence. Algorithms developed to predict the effect of missense changes on protein structure and function all suggest that this variant is likely to be disruptive. The variant allele was found at a frequency of 0.00075 in 250430 control chromosomes. This frequency is not significantly higher than estimated for disease-causing variants in WFS1, allowing no conclusion about variant significance. c.1597C>T has been observed in individual(s) affected with clinical features of Wolfram Syndrome 1 (Majander_2016, Astuti_2017, Yu_2019, Kiel_2019, Charif_2021). These data do not allow any conclusion about variant significance. To our knowledge, no experimental evidence demonstrating an impact on protein function has been reported. The following publications have been ascertained in the context of this evaluation (PMID: 28432734, 33841295, 39462066, 26875006, 31264968). ClinVar contains an entry for this variant (Variation ID: 137914). Based on the evidence outlined above, the variant was classified as uncertain significance.

Genomic Medicine Center of Excellence, King Faisal Specialist Hospital and Research Centre
Classification: Uncertain significance for Wolfram syndrome 1. Last evaluated: 2024-12-19. Review status: criteria provided, single submitter. Criteria: ACMG Guidelines, 2015. Collection method: clinical testing. Allele origin: germline.

Blueprint Genetics
Classification: Likely pathogenic for WFS1-related disorders. Last evaluated: 2024-11-26. Review status: criteria provided, single submitter. Criteria: ACMG Guidelines, 2015. Collection method: clinical testing. Allele origin: germline. Affected: yes. Observed: 5 variant alleles.

Fulgent Genetics
Classification: Uncertain significance for Cataract 41; Type 2 diabetes mellitus; Wolfram syndrome 1; Autosomal dominant nonsyndromic hearing loss 6; Wolfram-like syndrome. Last evaluated: 2024-06-05. Review status: criteria provided, single submitter. Criteria: ACMG Guidelines, 2015. Collection method: clinical testing. Allele origin: germline.

Greenwood Genetic Center Diagnostic Laboratories, Greenwood Genetic Center
Classification: Uncertain significance. Last evaluated: 2023-11-20. Review status: criteria provided, single submitter. Criteria: ACMG Guidelines, 2015. Collection method: clinical testing. Allele origin: germline. Affected: yes.
Comment: PM3_Strong, BS1, PP3

Institute of Human Genetics, Univ. Regensburg, Univ. Regensburg
Classification: Uncertain significance for Optic atrophy. Last evaluated: 2023-01-01. Review status: criteria provided, single submitter. Criteria: ACMG Guidelines, 2015. Collection method: clinical testing. Allele origin: germline. Affected: yes.

Institute of Human Genetics, Univ. Regensburg, Univ. Regensburg
Classification: Uncertain significance for Retinal dystrophy. Last evaluated: 2023-01-01. Review status: criteria provided, single submitter. Criteria: ACMG Guidelines, 2015. Collection method: clinical testing. Allele origin: germline. Affected: yes.

Eurofins Ntd Llc (ga)
Classification: Uncertain significance. Last evaluated: 2018-07-03. Review status: criteria provided, single submitter. Criteria: EGL ClinVar v180209 classification definitions. Collection method: clinical testing. Allele origin: germline. Observed: 1 variant allele, 1 heterozygote.